The following is an entry in ClinVar:

ClinVar aggregate classification (germline): Uncertain significance. Review status: criteria provided, single submitter (1 of 4 stars). 2 submissions from 2 submitters: Uncertain significance (1). 1 of the submissions does not count toward it. Last evaluated 2025-09-02.

Conditions:
DLX6-related disorder. Also called: DLX6-related condition.

Submissions (2):

Labcorp Genetics (formerly Invitae), Labcorp
Classification: Uncertain significance. Last evaluated: 2025-09-02. Review status: criteria provided, single submitter. Criteria: Invitae Variant Classification Sherloc (09022015). Collection method: clinical testing. Allele origin: germline.
Comment: This variant, c.120_122dup, results in the insertion of 1 amino acid(s) of the DLX6 protein (p.Gln44dup), but otherwise preserves the integrity of the reading frame. The frequency data for this variant in the population databases is considered unreliable, as metrics indicate poor data quality at this position in the gnomAD database. This variant has not been reported in the literature in individuals affected with DLX6-related conditions. Experimental studies and prediction algorithms are not available or were not evaluated, and the functional significance of this variant is currently unknown. In summary, the available evidence is currently insufficient to determine the role of this variant in disease. Therefore, it has been classified as a Variant of Uncertain Significance.

PreventionGenetics, part of Exact Sciences
Classification: Likely benign for DLX6-related condition. Last evaluated: 2022-02-28. Review status: no assertion criteria provided. Collection method: clinical testing. Allele origin: germline. Not counted in ClinVar's aggregate classification.
Comment: This variant is classified as likely benign based on ACMG/AMP sequence variant interpretation guidelines (Richards et al. 2015 PMID: 25741868, with internal and published modifications).

NM_005222.4(DLX6):c.102GCA[8] (p.Gln44_Pro45insGln)

Genes: DLX6 (distal-less homeobox 6; plus strand), DLX6-AS1 (DLX6 antisense RNA 1; minus strand). Cytogenetic location: 7q21.3.
Variant type: Microsatellite.
Coding change: c.102GCA[8] on transcript NM_005222.4 (MANE Select); eight copies in a row of the 3-base unit GCA starting at c.102; the reference has seven copies in a row; one copy, 3 bases duplicated.
Protein change: p.Gln44_Pro45insGln.
Molecular consequence: inframe insertion.
Genome position (GRCh38, 1-based): chr7:97,006,097-97,006,099, GCA duplicated; duplicating any 3 consecutive bases within chr7:97,006,077-97,006,099 gives the same sequence; the position shown is the placement nearest the transcript's 3' end. VCF-style (leftmost placement, unchanged base first): chr7-97006076-A-ACAG. GRCh37 (hg19) VCF-style: chr7-96635388-A-ACAG.
Other names: c.120_122dupGCA (NM_005222.3).
Identifiers: ClinVar variation 2053894 (VCV002053894.6), dbSNP rs747232821, ClinGen allele CA4353700.